The following is an entry in ClinVar:

NM_001330078.2(NRXN1):c.1333A>T (p.Asn445Tyr)

Gene: NRXN1 (neurexin 1; minus strand). Cytogenetic location: 2p16.3.
Variant type: single nucleotide variant.
Coding change: c.1333A>T on transcript NM_001330078.2 (MANE Select); coding-DNA position 1333, A replaced by T.
Protein change: p.Asn445Tyr; replaces asparagine 445 with tyrosine.
Molecular consequence: missense variant.
Genome position (GRCh38, 1-based): chr2:50,553,013, T>A on the plus strand (A>T on the coding strand, the complement: NRXN1 is on the minus strand). VCF-style: chr2-50553013-T-A. GRCh37 (hg19) VCF-style: chr2-50780151-T-A.
Other names: c.1453A>T, p.Asn485Tyr (NM_001135659.3); c.1309A>T, p.Asn437Tyr (NM_001330077.2, NM_001330082.2, NM_001330095.2); c.1294A>T, p.Asn432Tyr (NM_001330083.2, NM_001330084.2); c.1333A>T, p.Asn445Tyr (NM_001330085.2, NM_001330086.2, NM_004801.6); c.1249A>T, p.Asn417Tyr (NM_001330087.2, NM_001330096.2); c.1279A>T, p.Asn427Tyr (NM_001330088.2); c.1330A>T, p.Asn444Tyr (NM_001330093.2); c.1321A>T, p.Asn441Tyr (NM_001330094.2); short protein forms N427Y, N441Y, N485Y, N432Y, N445Y, N417Y, N437Y, N444Y.
Identifiers: ClinVar variation 4988961 (VCV004988961.1).
Genomic context (GRCh38, chr2:50,553,013, plus strand): 5'-TCTTCATCTTAGGATCTCCTTGCTTGGCAAGTCGAGATAATTCCAGCCTCACATCATTAT[T>A]TTTATATACAACCTGTGGGCAGAGGATAGCAGTGAGAAACTAGCCTCCATATTTTAATAT-3'
Protein context (NP_001317007.1, residues 435-455): MGCLKEVVYK[Asn445Tyr]NDVRLELSRL

ClinVar aggregate classification (germline): Uncertain significance (1 of 4 stars; one submission).

Conditions:
NRXN1-related disorder.

gnomAD v4.1: 3 of 1,607,978 alleles (0.00019%); highest among the groups gnomAD compares: Non-Finnish European, 0.00025%; no homozygotes.

Submission:

PreventionGenetics, part of Exact Sciences
Classification: Uncertain significance for NRXN1-related condition. Last evaluated: 2025-04-09. Review status: criteria provided, single submitter. Criteria: ACMG Guidelines, 2015. Collection method: clinical testing. Allele origin: germline.
Comment: The NRXN1 c.1453A>T variant is predicted to result in the amino acid substitution p.Asn485Tyr. To our knowledge, this variant has not been reported in the literature or in a large population database (gnomAD), indicating this variant is rare. At this time, the clinical significance of this variant is uncertain due to the absence of conclusive functional and genetic evidence.